The following is an entry in ClinVar:

NM_001164508.2(NEB):c.18302T>C (p.Phe6101Ser)

Gene: NEB (nebulin; minus strand). Cytogenetic location: 2q23.3.
Variant type: single nucleotide variant.
Coding change: c.18302T>C on transcript NM_001164508.2 (MANE Select); coding-DNA position 18302, T replaced by C.
Protein change: p.Phe6101Ser; replaces phenylalanine 6101 with serine.
Molecular consequence: missense variant.
Genome position (GRCh38, 1-based): chr2:151,565,565, A>G on the plus strand (T>C on the coding strand, the complement: NEB is on the minus strand). VCF-style: chr2-151565565-A-G. GRCh37 (hg19) VCF-style: chr2-152422079-A-G.
Other names: c.18302T>C, p.Phe6101Ser (NM_001164507.2, NM_001271208.2); c.13199T>C, p.Phe4400Ser (NM_004543.5); short protein forms F6101S, F4400S.
Identifiers: ClinVar variation 1347537 (VCV001347537.8), dbSNP rs2153729845, ClinGen allele CA348801308.
Genomic context (GRCh38, chr2:151,565,565, plus strand): 5'-CTTTGATTGACAGAATTAATCTTGGCTAAAACAATCTCTGGAGGATCCACCACACTTCTA[A>G]AGTTAGGATAGTTTTCAAGGGCATTTTTCTTATATTTGATCTGTAAAGAAACGGAGACAA-3'
Protein context (NP_001157980.2, residues 6091-6111): KKNALENYPN[Phe6101Ser]RSVVDPPEIV

ClinVar aggregate classification (germline): Uncertain significance (1 of 4 stars; one submission).

Conditions:
Nemaline myopathy 2 (NEM2). Also called: Nemaline myopathy 2, autosomal recessive. Identifiers: MedGen C1850569, MONDO:0009725, OMIM 256030.

Submission:

Labcorp Genetics (formerly Invitae), Labcorp
Classification: Uncertain significance for Nemaline myopathy 2. Last evaluated: 2022-03-18. Review status: criteria provided, single submitter. Criteria: Invitae Variant Classification Sherloc (09022015). Collection method: clinical testing. Allele origin: germline.
Comment: Algorithms developed to predict the effect of missense changes on protein structure and function are either unavailable or do not agree on the potential impact of this missense change (SIFT: "Deleterious"; PolyPhen-2: "Not Available"; Align-GVGD: "Class C0"). In summary, the available evidence is currently insufficient to determine the role of this variant in disease. Therefore, it has been classified as a Variant of Uncertain Significance. This variant has not been reported in the literature in individuals affected with NEB-related conditions. This sequence change replaces phenylalanine, which is neutral and non-polar, with serine, which is neutral and polar, at codon 6101 of the NEB protein (p.Phe6101Ser). This variant is not present in population databases (gnomAD no frequency).